The following is an entry in ClinVar:

ClinVar aggregate classification (germline): Benign (1 of 4 stars; one submission).

Allele frequency attached by ClinVar (database versions not stated): TOPMed 0.65616; gnomAD 0.66112; gnomAD exomes 0.66709; 1000 Genomes Project 30x 0.69300; 1000 Genomes Project 0.69409.
gnomAD v4.1: 288,458 of 434,288 alleles (66%); highest among the groups gnomAD compares: East Asian, 77%; 96,333 homozygotes.

Submission:

Unidad de Genómica Garrahan, Hospital de Pediatría Garrahan
Classification: Benign. Last evaluated: 2023-11-12. Review status: criteria provided, single submitter. Criteria: ACMG Guidelines, 2015. Collection method: clinical testing. Allele origin: germline. Affected: no. Observed: 67 variant alleles.
Comment: This variant is classified as Benign based on local population frequency. This variant was detected in 70% of patients studied by a panel of primary immunodeficiencies. Number of patients: 67. Only high quality variants are reported.

NM_002661.5(PLCG2):c.1193+1830T>C

Gene: PLCG2 (phospholipase C gamma 2; plus strand). Cytogenetic location: 16q23.3.
Variant type: single nucleotide variant.
Coding change: c.1193+1830T>C on transcript NM_002661.5 (MANE Select); 1830 bases into the intron after coding-DNA position 1193, T replaced by C.
Molecular consequence: intron variant.
Genome position (GRCh38, 1-based): chr16:81,897,757, T>C. VCF-style: chr16-81897757-T-C. GRCh37 (hg19) VCF-style: chr16-81931362-T-C.
Identifiers: ClinVar variation 2628127 (VCV002628127.2), dbSNP rs8053636, ClinGen allele CA14229465.